The following is an entry in ClinVar:

NM_000179.3(MSH6):c.3655A>C (p.Thr1219Pro)

Gene: MSH6 (mutS homolog 6; plus strand). Cytogenetic location: 2p16.3.
Variant type: single nucleotide variant.
Coding change: c.3655A>C on transcript NM_000179.3 (MANE Select); coding-DNA position 3655, A replaced by C.
Protein change: p.Thr1219Pro; replaces threonine 1219 with proline.
Molecular consequence: missense variant. On other transcripts: non-coding transcript variant (5).
Genome position (GRCh38, 1-based): chr2:47,806,212, A>C. VCF-style: chr2-47806212-A-C. GRCh37 (hg19) VCF-style: chr2-48033351-A-C.
Other names: c.3265A>C, p.Thr1089Pro (NM_001281492.2); c.2749A>C, p.Thr917Pro (NM_001281493.2, NM_001281494.2, NM_001406811.1 and 6 more transcripts); c.3751A>C, p.Thr1251Pro (NM_001406795.1, NM_001406802.1); c.3655A>C, p.Thr1219Pro (NM_001406796.1, NM_001406800.1, NM_001406808.1 and 1 more transcripts); c.3358A>C, p.Thr1120Pro (NM_001406797.1, NM_001406801.1, NM_001406805.1 and 10 more transcripts); c.3481A>C, p.Thr1161Pro (NM_001406798.1); c.3130A>C, p.Thr1044Pro (NM_001406799.1, NM_001406806.1, NM_001406807.1); c.2791A>C, p.Thr931Pro (NM_001406803.1); and 7 more; short protein forms T1044P, T1089P, T1161P, T1163P, T1193P, T1219P, T1251P, T534P.
Identifiers: ClinVar variation 3398895 (VCV003398895.1).

ClinVar aggregate classification (germline): Uncertain significance (1 of 4 stars; one submission).

Conditions:
Hereditary cancer-predisposing syndrome. Also called: Hereditary Cancer Syndrome; Tumor predisposition; Hereditary neoplastic syndrome; Neoplastic Syndromes, Hereditary. Identifiers: Orphanet 140162, MedGen C0027672, MeSH D009386, MONDO:0015356.

Submission:

Ambry Genetics
Classification: Uncertain significance for Hereditary cancer-predisposing syndrome. Last evaluated: 2024-09-04. Review status: criteria provided, single submitter. Criteria: Ambry Variant Classification Scheme 2023. Collection method: clinical testing. Allele origin: germline.
Comment: The p.T1219P variant (also known as c.3655A>C), located in coding exon 8 of the MSH6 gene, results from an A to C substitution at nucleotide position 3655. The threonine at codon 1219 is replaced by proline, an amino acid with highly similar properties. This amino acid position is highly conserved in available vertebrate species. In addition, this alteration is predicted to be deleterious by in silico analysis. Based on the available evidence, the clinical significance of this variant remains unclear.